The following is an entry in ClinVar:

NM_017612.5(ZCCHC8):c.1652G>A (p.Gly551Asp)

Gene: ZCCHC8 (zinc finger CCHC-type containing 8; minus strand). Cytogenetic location: 12q24.31.
Variant type: single nucleotide variant.
Coding change: c.1652G>A on transcript NM_017612.5 (MANE Select); coding-DNA position 1652, G replaced by A.
Protein change: p.Gly551Asp; replaces glycine 551 with aspartic acid.
Molecular consequence: missense variant.
Genome position (GRCh38, 1-based): chr12:122,473,969, C>T on the plus strand (G>A on the coding strand, the complement: ZCCHC8 is on the minus strand). VCF-style: chr12-122473969-C-T. GRCh37 (hg19) VCF-style: chr12-122958516-C-T.
Other names: c.1421G>A, p.Gly474Asp (NM_001350935.2); c.1355G>A, p.Gly452Asp (NM_001350936.2); c.938G>A, p.Gly313Asp (NM_001350937.2, NM_001350938.2); c.1652G>A (NM_017612.4); short protein forms G452D, G551D, G313D, G474D.
Identifiers: ClinVar variation 1357971 (VCV001357971.9), dbSNP rs200494647, ClinGen allele CA6846116.

ClinVar aggregate classification (germline): Likely benign. Review status: criteria provided, multiple submitters, no conflicts (2 of 4 stars). 3 submissions from 3 submitters: Likely benign (2). 1 of the submissions does not count toward it. Last evaluated 2026-01-19.

Conditions:
ZCCHC8-related disorder. Also called: ZCCHC8-related condition.

Allele frequency attached by ClinVar (database versions not stated): gnomAD 0.00038; ExAC 0.00042; gnomAD exomes 0.00043 and 0.00071; TOPMed 0.00063; ESP Exome Variant Server 0.00095.
gnomAD v4.1: 1,099 of 1,605,092 alleles (0.068%); highest among the groups gnomAD compares: Non-Finnish European, 0.085%; 1 homozygote.

Submissions (3):

Labcorp Genetics (formerly Invitae), Labcorp
Classification: Likely benign. Last evaluated: 2026-01-19. Review status: criteria provided, single submitter. Criteria: Invitae Variant Classification Sherloc (09022015). Collection method: clinical testing. Allele origin: germline.

Blueprint Genetics
Classification: Likely benign. Last evaluated: 2024-11-20. Review status: criteria provided, single submitter. Criteria: ACMG Guidelines, 2015. Collection method: clinical testing. Allele origin: germline.

PreventionGenetics, part of Exact Sciences
Classification: Likely benign for ZCCHC8-related condition. Last evaluated: 2022-06-01. Review status: no assertion criteria provided. Collection method: clinical testing. Allele origin: germline. Not counted in ClinVar's aggregate classification.
Comment: This variant is classified as likely benign based on ACMG/AMP sequence variant interpretation guidelines (Richards et al. 2015 PMID: 25741868, with internal and published modifications).